The following is an entry in ClinVar:

ClinVar aggregate classification (germline): Conflicting classifications of pathogenicity. Review status: criteria provided, conflicting classifications (1 of 4 stars). 4 submissions from 4 submitters: Uncertain significance (3); Benign (1). Last evaluated 2026-06-15.

Conditions:
Inborn genetic diseases. Identifiers: MedGen C0950123, MeSH D030342.

gnomAD v4.1: 7 of 1,613,952 alleles (0.00043%); highest among the groups gnomAD compares: South Asian, 0.0022%; no homozygotes.

Submissions (4):

Women's Health and Genetics/Laboratory Corporation of America, LabCorp
Classification: Uncertain significance. Last evaluated: 2026-06-15. Review status: criteria provided, single submitter. Criteria: LabCorp Variant Classification Summary - May 2015. Collection method: clinical testing. Allele origin: germline.
Comment: Variant summary: COL10A1 c.839C>T (p.Thr280Ile) results in a non-conservative amino acid change in the encoded protein sequence. Algorithms developed to predict the effect of missense changes on protein structure and function are either unavailable or do not agree on the potential impact of this missense change. The variant allele was found at a frequency of 8e-06 in 249974 control chromosomes. The available data on variant occurrences in the general population are insufficient to allow any conclusion about variant significance. To our knowledge, no occurrence of c.839C>T in individuals affected with COL10A1-related conditions and no experimental evidence demonstrating its impact on protein function have been reported. ClinVar contains an entry for this variant (Variation ID: 713360). Based on the evidence outlined above, the variant was classified as uncertain significance.

CeGaT Center for Human Genetics Tuebingen
Classification: Uncertain significance. Last evaluated: 2026-01-01. Review status: criteria provided, single submitter. Criteria: CeGaT Center For Human Genetics Tuebingen Variant Classification Criteria Version 2. Collection method: clinical testing. Allele origin: germline. Affected: yes. Observed: 1 variant allele.
Comment: COL10A1: PM2, BP4

Ambry Genetics
Classification: Uncertain significance for Inborn genetic diseases. Last evaluated: 2025-05-16. Review status: criteria provided, single submitter. Criteria: Ambry Variant Classification Scheme 2023. Collection method: clinical testing. Allele origin: germline.

Labcorp Genetics (formerly Invitae), Labcorp
Classification: Benign. Last evaluated: 2017-08-25. Review status: criteria provided, single submitter. Criteria: Invitae Variant Classification Sherloc (09022015). Collection method: clinical testing. Allele origin: germline.

NM_000493.4(COL10A1):c.839C>T (p.Thr280Ile)

Genes: COL10A1 (collagen type X alpha 1 chain; minus strand), NT5DC1 (5'-nucleotidase domain containing 1; plus strand). Cytogenetic location: 6q22.1.
Variant type: single nucleotide variant.
Coding change: c.839C>T on transcript NM_000493.4 (MANE Select); coding-DNA position 839, C replaced by T.
Protein change: p.Thr280Ile; replaces threonine 280 with isoleucine.
Molecular consequence: missense variant. On other transcripts: intron variant (1).
Genome position (GRCh38, 1-based): chr6:116,121,277, G>A on the plus strand (C>T on the coding strand, the complement: COL10A1 is on the minus strand). VCF-style: chr6-116121277-G-A. GRCh37 (hg19) VCF-style: chr6-116442440-G-A.
Other names: c.839C>T, p.Thr280Ile (NM_001424106.1, NM_001424107.1); c.529+3332G>A (NM_152729.3); short protein forms T280I.
Identifiers: ClinVar variation 713360 (VCV000713360.9), dbSNP rs370578053, ClinGen allele CA3968314.